The following is an entry in ClinVar:

ClinVar aggregate classification (germline): Conflicting classifications of pathogenicity. Review status: criteria provided, conflicting classifications (1 of 4 stars). 3 submissions from 3 submitters: Uncertain significance (2); Likely benign (1). Last evaluated 2025-01-13.

Conditions:
Mucopolysaccharidosis, MPS-II (MPS2). Also called: Severe MPS II; I2S deficiency; MPS 2; Hunter Syndrome; IDURONATE 2-SULFATASE DEFICIENCY; Mucopolysaccharidosis Type II. Identifiers: Orphanet 580, Orphanet 79388, MedGen C0026705, MONDO:0010674, OMIM 309900.

Allele frequency attached by ClinVar (database versions not stated): gnomAD 0.00003; TOPMed 0.00003.
gnomAD v4.1: 20 of 1,207,030 alleles (0.0017%); highest among the groups gnomAD compares: East Asian, 0.012%; no homozygotes.

Submissions (3):

Labcorp Genetics (formerly Invitae), Labcorp
Classification: Likely benign for Mucopolysaccharidosis, MPS-II. Last evaluated: 2025-01-13. Review status: criteria provided, single submitter. Criteria: Invitae Variant Classification Sherloc (09022015). Collection method: clinical testing. Allele origin: germline.

CeGaT Center for Human Genetics Tuebingen
Classification: Uncertain significance. Last evaluated: 2024-01-01. Review status: criteria provided, single submitter. Criteria: CeGaT Center For Human Genetics Tuebingen Variant Classification Criteria Version 2. Collection method: clinical testing. Allele origin: germline. Affected: yes. Observed: 1 variant allele.
Comment: IDS: PM2

Revvity Omics, Revvity
Classification: Uncertain significance for Mucopolysaccharidosis, MPS-II. Last evaluated: 2023-06-25. Review status: criteria provided, single submitter. Criteria: ACMG Guidelines, 2015. Collection method: clinical testing. Allele origin: germline.

NM_000202.8(IDS):c.1373G>A (p.Arg458His)

Gene: IDS (iduronate 2-sulfatase; minus strand). Cytogenetic location: Xq28.
Variant type: single nucleotide variant.
Coding change: c.1373G>A on transcript NM_000202.8 (MANE Select); coding-DNA position 1373, G replaced by A.
Protein change: p.Arg458His; replaces arginine 458 with histidine.
Molecular consequence: missense variant.
Genome position (GRCh38, 1-based): chrX:149,483,026, C>T on the plus strand (G>A on the coding strand, the complement: IDS is on the minus strand). VCF-style: chrX-149483026-C-T. GRCh37 (hg19) VCF-style: chrX-148564557-C-T.
Other names: c.1103G>A, p.Arg368His (NM_001166550.4); short protein forms R458H, R368H.
Identifiers: ClinVar variation 2148543 (VCV002148543.27), dbSNP rs782697859, ClinGen allele CA10537450.